The following is an entry in ClinVar:

ClinVar aggregate classification (germline): Likely pathogenic. Review status: criteria provided, multiple submitters, no conflicts (2 of 4 stars). 2 submissions from 2 submitters: Likely pathogenic (2). Last evaluated 2025-03-17.

Conditions:
Galactosemia. Also called: Galactose intolerance. Identifiers: Orphanet 352, MedGen C0016952, MONDO:0018116, HP:0004919. Disease mechanism: loss of function.
Deficiency of UDPglucose-hexose-1-phosphate uridylyltransferase. Also called: GALACTOSE-1-PHOSPHATE URIDYLYLTRANSFERASE DEFICIENCY; GALACTOSEMIA I; Transferase Deficiency Galactosemia; GALT deficiency; Galactosemia, classic. Identifiers: Orphanet 352, Orphanet 79239, MedGen C0268151, MONDO:0009258, OMIM 230400.

Submissions (2):

Natera, Inc.
Classification: Likely pathogenic for Galactosemia. Last evaluated: 2025-03-17. Review status: criteria provided, single submitter. Criteria: Natera Variant Classification Schema (03/2026). Collection method: clinical testing. Allele origin: germline.
Comment: The c.450delT variant in GALT is a frameshift variant predicted to shift the reading frame beginning at codon 151 and leads to a stop codon 27 codons downstream. This variant is expected to result in nonsense mediated decay, truncation, or a dysfunctional protein product. This variant is rare in the general population with a frequency below the threshold expected for the associated phenotype(s). Given the available evidence, this variant is classified as Likely Pathogenic.

Baylor Genetics
Classification: Likely pathogenic for Deficiency of UDPglucose-hexose-1-phosphate uridylyltransferase. Last evaluated: 2022-04-20. Review status: criteria provided, single submitter. Criteria: ACMG Guidelines, 2015. Collection method: clinical testing. Allele origin: unknown.

NM_000155.4(GALT):c.450del (p.Val151fs)

Gene: GALT (galactose-1-phosphate uridylyltransferase; plus strand). Cytogenetic location: 9p13.3.
Variant type: Deletion.
Coding change: c.450del on transcript NM_000155.4 (MANE Select); coding-DNA position 450, one base deleted (T; older notation c.450delT).
Protein change: p.Val151fs; shifts the reading frame from valine 151.
Molecular consequence: frameshift variant.
Genome position (GRCh38, 1-based): chr9:34,647,904, T deleted; the last of 2 consecutive T bases (chr9:34,647,903-34,647,904); deleting either gives the same sequence. VCF-style (leftmost placement, unchanged base first): chr9-34647902-GT-G. GRCh37 (hg19) VCF-style: chr9-34647899-GT-G.
Other names: c.123del, p.Val42fs (NM_001258332.2); c.450delT (NM_000155.3); short protein forms V151fs, V42fs.
Identifiers: ClinVar variation 2675835 (VCV002675835.2), dbSNP rs2492866563, ClinGen allele CA2695201554.